The following is an entry in ClinVar:

NM_000435.3(NOTCH3):c.1283G>T (p.Cys428Phe)

Gene: NOTCH3 (notch receptor 3; minus strand). Cytogenetic location: 19p13.12.
Variant type: single nucleotide variant.
Coding change: c.1283G>T on transcript NM_000435.3 (MANE Select); coding-DNA position 1283, G replaced by T.
Protein change: p.Cys428Phe; replaces cysteine 428 with phenylalanine.
Molecular consequence: missense variant.
Genome position (GRCh38, 1-based): chr19:15,189,084, C>A on the plus strand (G>T on the coding strand, the complement: NOTCH3 is on the minus strand). VCF-style: chr19-15189084-C-A. GRCh37 (hg19) VCF-style: chr19-15299895-C-A.
Other names: short protein forms C428F.
Identifiers: ClinVar variation 2684124 (VCV002684124.1), dbSNP rs1568360455, ClinGen allele CA404528057.

ClinVar aggregate classification (germline): Pathogenic (1 of 4 stars; one submission).

Submission:

Athena Diagnostics
Classification: Pathogenic. Last evaluated: 2023-05-04. Review status: criteria provided, single submitter. Criteria: Athena Diagnostics Criteria. Collection method: clinical testing. Allele origin: unknown.
Comment: This variant has been identified in at least one individual with clinical features associated with CADASIL. This variant has not been reported in large, multi-ethnic general populations. This variant alters a critical location within the protein, and is expected to severely affect function and cause disease. Greater than 90% of NOTCH3 pathogenic variants associated with CADASIL involve the gain or loss of a cysteine residue within the epidermal growth factor (EGF)-like repeat domain (PMID: 32457593, 20301673).